The following is an entry in ClinVar:

NM_002473.6(MYH9):c.2344G>A (p.Val782Ile)

Gene: MYH9 (myosin heavy chain 9; minus strand). Cytogenetic location: 22q12.3.
Variant type: single nucleotide variant.
Coding change: c.2344G>A on transcript NM_002473.6 (MANE Select); coding-DNA position 2344, G replaced by A.
Protein change: p.Val782Ile; replaces valine 782 with isoleucine.
Molecular consequence: missense variant.
Genome position (GRCh38, 1-based): chr22:36,304,041, C>T on the plus strand (G>A on the coding strand, the complement: MYH9 is on the minus strand). VCF-style: chr22-36304041-C-T. GRCh37 (hg19) VCF-style: chr22-36700087-C-T.
Other names: short protein forms V782I.
Identifiers: ClinVar variation 1676398 (VCV001676398.9), dbSNP rs139966058, ClinGen allele CA10210008.

ClinVar aggregate classification (germline): Conflicting classifications of pathogenicity. Review status: criteria provided, conflicting classifications (1 of 4 stars). 3 submissions from 3 submitters: Uncertain significance (1); Benign (1); Likely benign (1). Last evaluated 2025-12-05.

Conditions:
MYH9-related disorder. Identifiers: MedGen C1854520.

gnomAD v4.1: 149 of 1,613,782 alleles (0.0092%); highest among the groups gnomAD compares: African/African-American, 0.13%; no homozygotes.

Submissions (3):

Labcorp Genetics (formerly Invitae), Labcorp
Classification: Benign. Last evaluated: 2025-12-05. Review status: criteria provided, single submitter. Criteria: Invitae Variant Classification Sherloc (09022015). Collection method: clinical testing. Allele origin: germline.

GeneDx
Classification: Uncertain significance. Last evaluated: 2024-12-03. Review status: criteria provided, single submitter. Criteria: GeneDx Variant Classification Process June 2021. Collection method: clinical testing. Allele origin: germline. Affected: yes.
Comment: In silico analysis indicates that this missense variant does not alter protein structure/function; Has not been previously published as pathogenic or benign to our knowledge

PreventionGenetics, part of Exact Sciences
Classification: Likely benign for MYH9-related condition. Last evaluated: 2022-04-20. Review status: criteria provided, single submitter. Criteria: ACMG Guidelines, 2015. Collection method: clinical testing. Allele origin: germline.
Comment: This variant is classified as likely benign based on ACMG/AMP sequence variant interpretation guidelines (Richards et al. 2015 PMID: 25741868, with internal and published modifications).